The following is an entry in ClinVar:

ClinVar aggregate classification (germline): Uncertain significance. Review status: criteria provided, multiple submitters, no conflicts (2 of 4 stars). 4 submissions from 4 submitters: Uncertain significance (4). Last evaluated 2024-11-15.

Conditions:
Retinoblastoma (RB1). Also called: RETINOBLASTOMA, SOMATIC. Identifiers: Orphanet 790, MedGen C0035335, MeSH D012175, MONDO:0008380, OMIM 180200, HP:0009919. Disease mechanism: loss of function. Inheritance: Both sporadic and heritable forms are tested..
Hereditary cancer-predisposing syndrome. Also called: Hereditary neoplastic syndrome; Hereditary Cancer Syndrome; Neoplastic Syndromes, Hereditary; Tumor predisposition. Identifiers: Orphanet 140162, MedGen C0027672, MeSH D009386, MONDO:0015356.

gnomAD v4.1: 7 of 1,612,556 alleles (0.00043%); highest among the groups gnomAD compares: South Asian, 0.0077%; no homozygotes.

Submissions (4):

Ambry Genetics
Classification: Uncertain significance for Hereditary cancer-predisposing syndrome. Last evaluated: 2024-11-15. Review status: criteria provided, single submitter. Criteria: Ambry Variant Classification Scheme 2023. Collection method: clinical testing. Allele origin: germline.
Comment: The p.K236N variant (also known as c.708A>T), located in coding exon 7 of the RB1 gene, results from an A to T substitution at nucleotide position 708. The lysine at codon 236 is replaced by asparagine, an amino acid with similar properties. This amino acid position is highly conserved in available vertebrate species. In addition, this alteration is predicted to be tolerated by in silico analysis. Based on the available evidence, the clinical significance of this variant remains unclear.

Labcorp Genetics (formerly Invitae), Labcorp
Classification: Uncertain significance for Retinoblastoma. Last evaluated: 2024-09-17. Review status: criteria provided, single submitter. Criteria: Invitae Variant Classification Sherloc (09022015). Collection method: clinical testing. Allele origin: germline.
Comment: This sequence change replaces lysine, which is basic and polar, with asparagine, which is neutral and polar, at codon 236 of the RB1 protein (p.Lys236Asn). This variant is present in population databases (no rsID available, gnomAD 0.003%). This variant has not been reported in the literature in individuals affected with RB1-related conditions. Invitae Evidence Modeling of protein sequence and biophysical properties (such as structural, functional, and spatial information, amino acid conservation, physicochemical variation, residue mobility, and thermodynamic stability) indicates that this missense variant is not expected to disrupt RB1 protein function with a negative predictive value of 80%. In summary, the available evidence is currently insufficient to determine the role of this variant in disease. Therefore, it has been classified as a Variant of Uncertain Significance.

Color Diagnostics, LLC DBA Color Health
Classification: Uncertain significance for Retinoblastoma. Last evaluated: 2024-05-07. Review status: criteria provided, single submitter. Criteria: ACMG Guidelines, 2015. Collection method: clinical testing. Allele origin: germline.
Comment: This missense variant replaces lysine with asparagine at codon 236 of the RB1 protein. Computational prediction suggests that this variant may not impact protein structure and function. To our knowledge, functional studies have not been reported for this variant. This variant has not been reported in individuals affected with RB1-related disorders in the literature. This variant has been identified in 1/250468 chromosomes in the general population by the Genome Aggregation Database (gnomAD). The available evidence is insufficient to determine the role of this variant in disease conclusively. Therefore, this variant is classified as a Variant of Uncertain Significance.

All of Us Research Program, National Institutes of Health
Classification: Uncertain significance for Retinoblastoma. Last evaluated: 2023-08-15. Review status: criteria provided, single submitter. Criteria: ACMG Guidelines, 2015. Collection method: clinical testing. Allele origin: germline. Inheritance: Autosomal dominant inheritance. Observed: 1 variant allele, 1 heterozygote.
Comment: This study involves interpretation of variants in research participants for the purpose of population health screening. Participant phenotype was not available at the time of variant classification. Additional details can be found in publication PMID: 35346344, PMCID: PMC8962531

NM_000321.3(RB1):c.708A>T (p.Lys236Asn)

Gene: RB1 (RB transcriptional corepressor 1; plus strand). Cytogenetic location: 13q14.2.
Variant type: single nucleotide variant.
Coding change: c.708A>T on transcript NM_000321.3 (MANE Select); coding-DNA position 708, A replaced by T.
Protein change: p.Lys236Asn; replaces lysine 236 with asparagine.
Molecular consequence: missense variant.
Genome position (GRCh38, 1-based): chr13:48,360,117, A>T. VCF-style: chr13-48360117-A-T. GRCh37 (hg19) VCF-style: chr13-48934253-A-T.
Other names: c.708A>T, p.Lys236Asn (NM_001407165.1, NM_001407166.1); short protein forms K236N.
Identifiers: ClinVar variation 3072529 (VCV003072529.4), dbSNP rs1173696113, ClinGen allele CA388158611.